The following is an entry in ClinVar:

NM_025137.4(SPG11):c.5256C>G (p.Phe1752Leu)

Genes: SPG11 (SPG11 vesicle trafficking associated, spatacsin; minus strand), LOC130056971 (ATAC-STARR-seq lymphoblastoid silent region 6398; plus strand). Cytogenetic location: 15q21.1.
Variant type: single nucleotide variant.
Coding change: c.5256C>G on transcript NM_025137.4 (MANE Select); coding-DNA position 5256, C replaced by G.
Protein change: p.Phe1752Leu; replaces phenylalanine 1752 with leucine.
Molecular consequence: missense variant.
Genome position (GRCh38, 1-based): chr15:44,584,424, G>C on the plus strand (C>G on the coding strand, the complement: SPG11 is on the minus strand). VCF-style: chr15-44584424-G-C. GRCh37 (hg19) VCF-style: chr15-44876622-G-C.
Other names: c.5256C>G, p.Phe1752Leu (NM_001160227.2); short protein forms F1752L.
Identifiers: ClinVar variation 1055028 (VCV001055028.9), dbSNP rs2140947410, ClinGen allele CA392222943.

ClinVar aggregate classification (germline): Uncertain significance (1 of 4 stars; one submission).

Conditions:
Hereditary spastic paraplegia 11. Also called: Spastic Paraplegia 11; SPASTIC PARAPLEGIA, AUTOSOMAL RECESSIVE, COMPLICATED, WITH THIN CORPUS CALLOSUM; SPASTIC PARAPLEGIA, AUTOSOMAL RECESSIVE, WITH MENTAL IMPAIRMENT AND THIN CORPUS CALLOSUM; Spastic paraplegia, mental retardation and thin corpus callosum; Nakamura Osame syndrome; Autosomal recessive hereditary spastic paraplegia, mental impairment, and thin corpus callosum. Identifiers: Orphanet 2822, MedGen C1858479, MONDO:0011445, OMIM 604360.

Submission:

Labcorp Genetics (formerly Invitae), Labcorp
Classification: Uncertain significance for Hereditary spastic paraplegia 11. Last evaluated: 2022-07-26. Review status: criteria provided, single submitter. Criteria: Invitae Variant Classification Sherloc (09022015). Collection method: clinical testing. Allele origin: germline.
Comment: Algorithms developed to predict the effect of missense changes on protein structure and function are either unavailable or do not agree on the potential impact of this missense change (SIFT: "Tolerated"; PolyPhen-2: "Possibly Damaging"; Align-GVGD: "Class C0"). In summary, the available evidence is currently insufficient to determine the role of this variant in disease. Therefore, it has been classified as a Variant of Uncertain Significance. ClinVar contains an entry for this variant (Variation ID: 1055028). This variant has not been reported in the literature in individuals affected with SPG11-related conditions. This variant is not present in population databases (gnomAD no frequency). This sequence change replaces phenylalanine, which is neutral and non-polar, with leucine, which is neutral and non-polar, at codon 1752 of the SPG11 protein (p.Phe1752Leu).